The following is an entry in ClinVar:

ClinVar aggregate classification (germline): Uncertain significance (1 of 4 stars; one submission).

Conditions:
Early-onset Lafora body disease. Also called: Epilepsy, progressive myoclonic, 10. Identifiers: Orphanet 324290, MedGen C4225258, MONDO:0014717, OMIM 616640.

Submission:

Labcorp Genetics (formerly Invitae), Labcorp
Classification: Uncertain significance for Early-onset Lafora body disease. Last evaluated: 2022-05-09. Review status: criteria provided, single submitter. Criteria: Invitae Variant Classification Sherloc (09022015). Collection method: clinical testing. Allele origin: germline.
Comment: This sequence change creates a premature translational stop signal (p.Gln296*) in the PRDM8 gene. While this is not anticipated to result in nonsense mediated decay, it is expected to disrupt the last 394 amino acid(s) of the PRDM8 protein. This variant is not present in population databases (gnomAD no frequency). This variant has not been reported in the literature in individuals affected with PRDM8-related conditions. Experimental studies and prediction algorithms are not available or were not evaluated, and the functional significance of this variant is currently unknown. In summary, the available evidence is currently insufficient to determine the role of this variant in disease. Therefore, it has been classified as a Variant of Uncertain Significance.

NM_001099403.2(PRDM8):c.886C>T (p.Gln296Ter)

Gene: PRDM8 (PR/SET domain 8; plus strand). Cytogenetic location: 4q21.21.
Variant type: single nucleotide variant.
Coding change: c.886C>T on transcript NM_001099403.2 (MANE Select); coding-DNA position 886, C replaced by T.
Protein change: p.Gln296Ter; replaces glutamine 296 with a stop codon.
Molecular consequence: nonsense.
Genome position (GRCh38, 1-based): chr4:80,202,348, C>T. VCF-style: chr4-80202348-C-T. GRCh37 (hg19) VCF-style: chr4-81123502-C-T.
Other names: c.886C>T, p.Gln296Ter (NM_020226.4); short protein forms Q296*.
Identifiers: ClinVar variation 2122047 (VCV002122047.4), dbSNP rs2475913782, ClinGen allele CA357395542.
Genomic context (GRCh38, chr4:80,202,348, plus strand): 5'-AGCTGCTCCCCAGCCCAGAGCCTCAGCAGCGGTAGCGGCAGCGGCGGCGGCGGCGGCCAC[C>T]AGGAGGCGGAGCTGAGTCCCGACGGCATCGCCACGGGCGGCGGCAAAGGAAAGAGGAAAT-3'